The following is an entry in ClinVar:

ClinVar aggregate classification (germline): Uncertain significance (1 of 4 stars; one submission).

Allele frequency attached by ClinVar (database versions not stated): TOPMed below 0.00001; gnomAD exomes below 0.00001; ExAC 0.00002.

Submission:

Labcorp Genetics (formerly Invitae), Labcorp
Classification: Uncertain significance. Last evaluated: 2025-08-08. Review status: criteria provided, single submitter. Criteria: Invitae Variant Classification Sherloc (09022015). Collection method: clinical testing. Allele origin: germline.
Comment: This sequence change falls in intron 5 of the SLC10A2 gene. It does not directly change the encoded amino acid sequence of the SLC10A2 protein. It affects a nucleotide within the consensus splice site. This variant is present in population databases (rs764095110, gnomAD 0.01%). This variant has not been reported in the literature in individuals affected with SLC10A2-related conditions. ClinVar contains an entry for this variant (Variation ID: 1997784). Variants that disrupt the consensus splice site are a relatively common cause of aberrant splicing (PMID: 17576681, 9536098). Algorithms developed to predict the effect of sequence changes on RNA splicing suggest that this variant may disrupt the consensus splice site. In summary, the available evidence is currently insufficient to determine the role of this variant in disease. Therefore, it has been classified as a Variant of Uncertain Significance.

Literature cited by the submitters: PubMed 17576681; PubMed 9536098.

NM_000452.3(SLC10A2):c.920-2A>G

Gene: SLC10A2 (solute carrier family 10 member 2; minus strand). Cytogenetic location: 13q33.1.
Variant type: single nucleotide variant.
Coding change: c.920-2A>G on transcript NM_000452.3 (MANE Select); the canonical splice acceptor site of the intron before coding-DNA position 920, A replaced by G.
Molecular consequence: splice acceptor variant.
Genome position (GRCh38, 1-based): chr13:103,046,262, T>C on the plus strand (A>G on the coding strand, the complement: SLC10A2 is on the minus strand). VCF-style: chr13-103046262-T-C. GRCh37 (hg19) VCF-style: chr13-103698612-T-C.
Identifiers: ClinVar variation 1997784 (VCV001997784.4), dbSNP rs764095110, ClinGen allele CA7041972.